The following is an entry in ClinVar:

ClinVar aggregate classification (germline): Pathogenic (1 of 4 stars; one submission).

Conditions:
Bardet-Biedl syndrome (BBS). Identifiers: Orphanet 110, MedGen C0752166, MONDO:0015229.

Submission:

Labcorp Genetics (formerly Invitae), Labcorp
Classification: Pathogenic for Bardet-Biedl syndrome. Last evaluated: 2022-10-13. Review status: criteria provided, single submitter. Criteria: Invitae Variant Classification Sherloc (09022015). Collection method: clinical testing. Allele origin: germline.
Comment: This sequence change creates a premature translational stop signal (p.Val599Phefs*6) in the BBS10 gene. While this is not anticipated to result in nonsense mediated decay, it is expected to disrupt the last 125 amino acid(s) of the BBS10 protein. This variant is not present in population databases (gnomAD no frequency). This variant has not been reported in the literature in individuals affected with BBS10-related conditions. This variant disrupts a region of the BBS10 protein in which other variant(s) (p.Val707*) have been determined to be pathogenic (PMID: 20472660, 22773737, 25982971, 27486776). This suggests that this is a clinically significant region of the protein, and that variants that disrupt it are likely to be disease-causing. For these reasons, this variant has been classified as Pathogenic.

Literature cited by the submitters: PubMed 20472660; PubMed 22773737; PubMed 25982971; PubMed 27486776.

NM_024685.4(BBS10):c.1795_1796del (p.Val599fs)

Gene: BBS10 (Bardet-Biedl syndrome 10; minus strand). Cytogenetic location: 12q21.2.
Variant type: Microsatellite.
Coding change: c.1795_1796del on transcript NM_024685.4 (MANE Select); coding-DNA positions 1795 to 1796, 2 bases deleted (GT; older notation c.1795_1796delGT).
Protein change: p.Val599fs; shifts the reading frame from valine 599.
Molecular consequence: frameshift variant.
Genome position (GRCh38, 1-based): chr12:76,346,189-76,346,190, AC deleted on the plus strand (GT on the coding strand, the reverse complement: BBS10 is on the minus strand); deleting any 2 consecutive bases within chr12:76,346,189-76,346,193 gives the same sequence; the c. name uses the placement nearest the transcript's 3' end. VCF-style (leftmost placement, unchanged base first): chr12-76346188-AAC-A. GRCh37 (hg19) VCF-style: chr12-76739968-AAC-A.
Other names: short protein forms V599fs.
Identifiers: ClinVar variation 2035474 (VCV002035474.4), dbSNP rs2540955223, ClinGen allele CA2580616817.